The following is an entry in ClinVar:

ClinVar aggregate classification (germline): Pathogenic (1 of 4 stars; one submission).

Conditions:
Predisposition to Wilms tumor.

Submission:

St. Jude Molecular Pathology, St. Jude Children's Research Hospital
Classification: Pathogenic for Predisposition to Wilms tumor. Last evaluated: 2022-01-27. Review status: criteria provided, single submitter. Criteria: St. Jude Assertion Criteria 2020. Collection method: clinical testing. Allele origin: germline.
Comment: The TRIM28 c.991C>T (p.Gln331Ter) change is a nonsense variant that is predicted to cause premature protein truncation and loss of normal protein function (PVS1). This variant is absent in gnomAD v2.1.1 (PM2_Supporting ). In summary, this variant meets criteria to be classified as likely pathogenic based on the ACMG/AMP criteria: PVS1, PS4_Supporting, PM2_Supporting.

NM_005762.3(TRIM28):c.991C>T (p.Gln331Ter)

Gene: TRIM28 (tripartite motif containing 28; plus strand). Cytogenetic location: 19q13.43.
Variant type: single nucleotide variant.
Coding change: c.991C>T on transcript NM_005762.3 (MANE Select); coding-DNA position 991, C replaced by T.
Protein change: p.Gln331Ter; replaces glutamine 331 with a stop codon.
Molecular consequence: nonsense.
Genome position (GRCh38, 1-based): chr19:58,548,070, C>T. VCF-style: chr19-58548070-C-T. GRCh37 (hg19) VCF-style: chr19-59059437-C-T.
Other names: short protein forms Q331*.
Identifiers: ClinVar variation 1691525 (VCV001691525.4), dbSNP rs2122629233, ClinGen allele CA407913283.